The following is an entry in ClinVar:

NM_000257.4(MYH7):c.1549C>A (p.Leu517Met)

Gene: MYH7 (myosin heavy chain 7; minus strand). Cytogenetic location: 14q11.2.
Variant type: single nucleotide variant.
Coding change: c.1549C>A on transcript NM_000257.4 (MANE Select); coding-DNA position 1549, C replaced by A.
Protein change: p.Leu517Met; replaces leucine 517 with methionine.
Molecular consequence: missense variant.
Genome position (GRCh38, 1-based): chr14:23,428,529, G>T on the plus strand (C>A on the coding strand, the complement: MYH7 is on the minus strand). VCF-style: chr14-23428529-G-T. GRCh37 (hg19) VCF-style: chr14-23897738-G-T.
Other names: short protein forms L517M.
Identifiers: ClinVar variation 177624 (VCV000177624.7), dbSNP rs727504237, ClinGen allele CA010927.

ClinVar aggregate classification (germline): Likely pathogenic. Review status: criteria provided, multiple submitters, no conflicts (2 of 4 stars). 2 submissions from 2 submitters: Likely pathogenic (2). Last evaluated 2023-05-19.

Conditions:
Cardiovascular phenotype. Identifiers: MedGen CN230736.
Hypertrophic cardiomyopathy. Also called: HYPERTROPHIC MYOCARDIOPATHY. Identifiers: Orphanet 217569, MedGen C0007194, MeSH D002312, MONDO:0005045, HP:0001639.

Submissions (2):

Molecular Diagnostic Laboratory for Inherited Cardiovascular Disease, Montreal Heart Institute
Classification: Likely pathogenic for Cardiovascular phenotype. Last evaluated: 2023-05-19. Review status: criteria provided, single submitter. Criteria: ACMG Guidelines, 2015. Collection method: clinical testing. Allele origin: germline. Affected: yes.

Laboratory for Molecular Medicine, Mass General Brigham Personalized Medicine
Classification: Likely pathogenic for Hypertrophic cardiomyopathy. Last evaluated: 2018-01-05. Review status: criteria provided, single submitter. Criteria: LMM Criteria. Collection method: clinical testing. Allele origin: germline. Observed: 3 variant alleles.
Comment: proposed classification - variant undergoing re-assessment, contact laboratory

Literature cited by the submitters: PubMed 12951062 (cited by Laboratory for Molecular Medicine, Mass General Brigham Personalized Medicine); PubMed 21302287 (cited by Laboratory for Molecular Medicine, Mass General Brigham Personalized Medicine); PubMed 27600940 (cited by Laboratory for Molecular Medicine, Mass General Brigham Personalized Medicine); PubMed 27532257 (cited by Laboratory for Molecular Medicine, Mass General Brigham Personalized Medicine).